The following is an entry in ClinVar:

NM_001904.4(CTNNB1):c.1126C>T (p.Arg376Cys)

Gene: CTNNB1 (catenin beta 1; plus strand). Cytogenetic location: 3p22.1.
Variant type: single nucleotide variant.
Coding change: c.1126C>T on transcript NM_001904.4 (MANE Select); coding-DNA position 1126, C replaced by T.
Protein change: p.Arg376Cys; replaces arginine 376 with cysteine.
Molecular consequence: missense variant.
Genome position (GRCh38, 1-based): chr3:41,233,385, C>T. VCF-style: chr3-41233385-C-T. GRCh37 (hg19) VCF-style: chr3-41274876-C-T.
Other names: c.1126C>T, p.Arg376Cys (NM_001098209.2, NM_001098210.2); c.1105C>T, p.Arg369Cys (NM_001330729.2); short protein forms R376C, R369C.
Identifiers: ClinVar variation 2603858 (VCV002603858.6), dbSNP rs2125637732, ClinGen allele CA352232101.

ClinVar aggregate classification (germline): Uncertain significance. Review status: criteria provided, multiple submitters, no conflicts (2 of 4 stars). 3 submissions from 3 submitters: Uncertain significance (3). Last evaluated 2025-03-12.

Conditions:
Inborn genetic diseases. Identifiers: MedGen C0950123, MeSH D030342.

Allele frequency attached by ClinVar (database versions not stated): gnomAD exomes below 0.00001.
gnomAD v4.1: 2 of 1,614,162 alleles (0.00012%); highest among the groups gnomAD compares: Non-Finnish European, 0.000085%; no homozygotes.

Submissions (3):

GeneDx
Classification: Uncertain significance. Last evaluated: 2025-03-12. Review status: criteria provided, single submitter. Criteria: GeneDx Variant Classification Process June 2021. Collection method: clinical testing. Allele origin: germline. Affected: yes.
Comment: Not observed at significant frequency in large population cohorts (gnomAD); In silico analysis supports that this missense variant has a deleterious effect on protein structure/function; Has not been previously published as pathogenic or benign to our knowledge

Labcorp Genetics (formerly Invitae), Labcorp
Classification: Uncertain significance. Last evaluated: 2023-10-13. Review status: criteria provided, single submitter. Criteria: Invitae Variant Classification Sherloc (09022015). Collection method: clinical testing. Allele origin: germline.
Comment: This sequence change replaces arginine, which is basic and polar, with cysteine, which is neutral and slightly polar, at codon 376 of the CTNNB1 protein (p.Arg376Cys). This variant is not present in population databases (gnomAD no frequency). This variant has not been reported in the literature in individuals affected with CTNNB1-related conditions. Advanced modeling of protein sequence and biophysical properties (such as structural, functional, and spatial information, amino acid conservation, physicochemical variation, residue mobility, and thermodynamic stability) performed at Invitae indicates that this missense variant is expected to disrupt CTNNB1 protein function. In summary, the available evidence is currently insufficient to determine the role of this variant in disease. Therefore, it has been classified as a Variant of Uncertain Significance.

Ambry Genetics
Classification: Uncertain significance for Inborn genetic diseases. Last evaluated: 2023-07-25. Review status: criteria provided, single submitter. Criteria: Ambry Variant Classification Scheme 2023. Collection method: clinical testing. Allele origin: germline.
Comment: The c.1126C>T (p.R376C) alteration is located in exon 8 (coding exon 7) of the CTNNB1 gene. This alteration results from a C to T substitution at nucleotide position 1126, causing the arginine (R) at amino acid position 376 to be replaced by a cysteine (C). This variant was not reported in population-based cohorts in the Genome Aggregation Database (gnomAD). This amino acid position is highly conserved in available vertebrate species. This missense alteration is located in a region that has a low rate of benign missense variation (Lek, 2016; Firth, 2009). The in silico prediction for this alteration is inconclusive. Based on insufficient or conflicting evidence, the clinical significance of this alteration remains unclear.